The following is an entry in ClinVar:

NM_005228.5(EGFR):c.127A>G (p.Thr43Ala)

Gene: EGFR (epidermal growth factor receptor; plus strand). Cytogenetic location: 7p11.2.
Variant type: single nucleotide variant.
Coding change: c.127A>G on transcript NM_005228.5 (MANE Select); coding-DNA position 127, A replaced by G.
Protein change: p.Thr43Ala; replaces threonine 43 with alanine.
Molecular consequence: missense variant. On other transcripts: 5 prime UTR variant (1), intron variant (1).
Genome position (GRCh38, 1-based): chr7:55,142,324, A>G. VCF-style: chr7-55142324-A-G. GRCh37 (hg19) VCF-style: chr7-55210017-A-G.
Other names: c.127A>G, p.Thr43Ala (NM_001346897.2, NM_001346898.2, NM_001346899.2 and 3 more transcripts); c.-33A>G (NM_001346900.2); c.89-13506A>G (NM_001346941.2); short protein forms T43A.
Identifiers: ClinVar variation 1939884 (VCV001939884.5), dbSNP rs147740818, ClinGen allele CA158897378.
Genomic context (GRCh38, chr7:55,142,324, plus strand): 5'-GATATCTGTCTTTTTCTTCCAGTTTGCCAAGGCACGAGTAACAAGCTCACGCAGTTGGGC[A>G]CTTTTGAAGATCATTTTCTCAGCCTCCAGAGGATGTTCAATAACTGTGAGGTGGTCCTTG-3'
Protein context (NP_005219.2, residues 33-53): GTSNKLTQLG[Thr43Ala]FEDHFLSLQR

ClinVar aggregate classification (germline): Uncertain significance (1 of 4 stars; one submission).

Conditions:
EGFR-related lung cancer (EGFR). Identifiers: MedGen CN130014.

Allele frequency attached by ClinVar (database versions not stated): TOPMed below 0.00001.

Submission:

Labcorp Genetics (formerly Invitae), Labcorp
Classification: Uncertain significance for EGFR-related lung cancer. Last evaluated: 2025-01-19. Review status: criteria provided, single submitter. Criteria: Invitae Variant Classification Sherloc (09022015). Collection method: clinical testing. Allele origin: germline.
Comment: This sequence change replaces threonine, which is neutral and polar, with alanine, which is neutral and non-polar, at codon 43 of the EGFR protein (p.Thr43Ala). This variant is not present in population databases (gnomAD no frequency). This variant has not been reported in the literature in individuals affected with EGFR-related conditions. ClinVar contains an entry for this variant (Variation ID: 1939884). Invitae Evidence Modeling of protein sequence and biophysical properties (such as structural, functional, and spatial information, amino acid conservation, physicochemical variation, residue mobility, and thermodynamic stability) indicates that this missense variant is not expected to disrupt EGFR protein function with a negative predictive value of 80%. In summary, the available evidence is currently insufficient to determine the role of this variant in disease. Therefore, it has been classified as a Variant of Uncertain Significance.